The following is an entry in ClinVar:

ClinVar aggregate classification (germline): Likely benign. Review status: criteria provided, single submitter (1 of 4 stars). 2 submissions from 2 submitters: Likely benign (1). 1 of the submissions does not count toward it. Last evaluated 2019-12-10.

Conditions:
NFIA-Related Disorder. Also called: NFIA-related condition; NFIA-related disorders. Identifiers: MedGen CN381099.

Submissions (2):

GeneDx
Classification: Likely benign. Last evaluated: 2019-12-10. Review status: criteria provided, single submitter. Criteria: GeneDx Variant Classification Process June 2021. Collection method: clinical testing. Allele origin: germline. Affected: yes.

PreventionGenetics, part of Exact Sciences
Classification: Benign for NFIA-related condition. Last evaluated: 2019-07-02. Review status: no assertion criteria provided. Collection method: clinical testing. Allele origin: germline. Not counted in ClinVar's aggregate classification.
Comment: This variant is classified as benign based on ACMG/AMP sequence variant interpretation guidelines (Richards et al. 2015 PMID: 25741868, with internal and published modifications).

NM_001134673.4(NFIA):c.1255-7_1255-5del

Gene: NFIA (nuclear factor I A; plus strand). Cytogenetic location: 1p31.3.
Variant type: Deletion.
Coding change: c.1255-7_1255-5del on transcript NM_001134673.4 (MANE Select); 7 bases into the intron before coding-DNA position 1255 through 5 bases into the intron before coding-DNA position 1255, 3 bases deleted (CCC; older notation c.1255-7_1255-5delCCC).
Molecular consequence: intron variant.
Genome position (GRCh38, 1-based): chr1:61,406,555-61,406,557, CCC deleted; deleting any 3 consecutive bases within chr1:61,406,544-61,406,557 gives the same sequence; the c. name uses the placement nearest the transcript's 3' end. VCF-style (leftmost placement, unchanged base first): chr1-61406543-GCCC-G. GRCh37 (hg19) VCF-style: chr1-61872215-GCCC-G.
Other names: c.1231-7_1231-5del (NM_001145511.2); c.1390-7_1390-5del (NM_001145512.2); c.1255-7_1255-5del (NM_005595.5); c.1255-7_1255-5delCCC (NM_005595.4).
Identifiers: ClinVar variation 1219266 (VCV001219266.5), dbSNP rs58081092, ClinGen allele CA881178.